The following is an entry in ClinVar:

NM_022437.3(ABCG8):c.1420G>A (p.Glu474Lys)

Gene: ABCG8 (ATP binding cassette subfamily G member 8; plus strand). Cytogenetic location: 2p21.
Variant type: single nucleotide variant.
Coding change: c.1420G>A on transcript NM_022437.3 (MANE Select); coding-DNA position 1420, G replaced by A.
Protein change: p.Glu474Lys; replaces glutamic acid 474 with lysine.
Molecular consequence: missense variant.
Genome position (GRCh38, 1-based): chr2:43,874,415, G>A. VCF-style: chr2-43874415-G-A. GRCh37 (hg19) VCF-style: chr2-44101554-G-A.
Other names: c.1417G>A, p.Glu473Lys (NM_001357321.2); short protein forms E474K, E473K.
Identifiers: ClinVar variation 4613345 (VCV004613345.1).

ClinVar aggregate classification (germline): Uncertain significance (1 of 4 stars; one submission).

Conditions:
Cardiovascular phenotype. Identifiers: MedGen CN230736.

Submission:

Ambry Genetics
Classification: Uncertain significance for Cardiovascular phenotype. Last evaluated: 2025-10-05. Review status: criteria provided, single submitter. Criteria: Ambry Variant Classification Scheme 2023. Collection method: clinical testing. Allele origin: germline.
Comment: The p.E474K variant (also known as c.1420G>A), located in coding exon 10 of the ABCG8 gene, results from a G to A substitution at nucleotide position 1420. The glutamic acid at codon 474 is replaced by lysine, an amino acid with similar properties. This amino acid position is conserved. In addition, this alteration is predicted to be deleterious by in silico analysis. Based on the available evidence, the clinical significance of this variant remains unclear.